The following continues an entry in ClinVar:

NM_001267550.2(TTN):c.50714G>A (p.Arg16905His)

ClinVar aggregate classification (germline): Conflicting classifications of pathogenicity. Likely pathogenic (1); Uncertain significance (8); Benign (3); Likely benign (10).

Submissions 12 to 27 of 27:

Athena Diagnostics
Classification: Benign. Last evaluated: 2019-11-05. Review status: criteria provided, single submitter. Criteria: Athena Diagnostics Criteria. Collection method: clinical testing. Allele origin: unknown.

Ambry Genetics
Classification: Likely benign for Cardiovascular phenotype. Last evaluated: 2018-11-23. Review status: criteria provided, single submitter. Criteria: Ambry Variant Classification Scheme 2023. Collection method: clinical testing. Allele origin: germline.

Illumina Laboratory Services, Illumina
Classification: Uncertain significance for Dilated cardiomyopathy 1G. Last evaluated: 2018-01-12. Review status: criteria provided, single submitter. Criteria: ICSL Variant Classification Criteria 13 December 2019. Collection method: clinical testing. Allele origin: germline.

Illumina Laboratory Services, Illumina
Classification: Uncertain significance for Early-onset myopathy with fatal cardiomyopathy. Last evaluated: 2018-01-12. Review status: criteria provided, single submitter. Criteria: ICSL Variant Classification Criteria 13 December 2019. Collection method: clinical testing. Allele origin: germline.

Illumina Laboratory Services, Illumina
Classification: Uncertain significance for Autosomal recessive limb-girdle muscular dystrophy type 2J. Last evaluated: 2018-01-12. Review status: criteria provided, single submitter. Criteria: ICSL Variant Classification Criteria 13 December 2019. Collection method: clinical testing. Allele origin: germline.

Illumina Laboratory Services, Illumina
Classification: Benign for Myopathy, myofibrillar, 9, with early respiratory failure. Last evaluated: 2018-01-12. Review status: criteria provided, single submitter. Criteria: ICSL Variant Classification Criteria 13 December 2019. Collection method: clinical testing. Allele origin: germline.
Comment: This variant was observed in the ICSL laboratory as part of a predisposition screen in an ostensibly healthy population. It had not been previously curated by ICSL or reported in the Human Gene Mutation Database (HGMD: prior to June 1st, 2018), and was therefore a candidate for classification through an automated scoring system. Utilizing variant allele frequency, disease prevalence and penetrance estimates, and inheritance mode, an automated score was calculated to assess if this variant is too frequent to cause the disease. Based on the score and internal cut-off values, a variant classified as benign is not then subjected to further curation. The score for this variant resulted in a classification of benign for this disease.

Illumina Laboratory Services, Illumina
Classification: Benign for Tibial muscular dystrophy. Last evaluated: 2018-01-12. Review status: criteria provided, single submitter. Criteria: ICSL Variant Classification Criteria 13 December 2019. Collection method: clinical testing. Allele origin: germline.
Comment: the same text as in the submission from Illumina Laboratory Services, Illumina above.

GeneDx
Classification: Likely benign. Last evaluated: 2017-11-07. Review status: criteria provided, single submitter. Criteria: GeneDx Variant Classification (06012015). Collection method: clinical testing. Allele origin: germline. Affected: yes.
Comment: This variant is considered likely benign or benign based on one or more of the following criteria: it is a conservative change, it occurs at a poorly conserved position in the protein, it is predicted to be benign by multiple in silico algorithms, and/or has population frequency not consistent with disease.

Eurofins Ntd Llc (ga)
Classification: Uncertain significance. Last evaluated: 2016-02-09. Review status: criteria provided, single submitter. Criteria: EGL Classification Definitions 2015. Collection method: clinical testing. Allele origin: germline. Observed: 2 variant alleles, 2 heterozygotes.

Laboratory for Molecular Medicine, Mass General Brigham Personalized Medicine
Classification: Uncertain significance. Last evaluated: 2014-06-18. Review status: criteria provided, single submitter. Criteria: LMM Criteria. Collection method: clinical testing. Allele origin: germline. Observed: 1 variant allele.
Comment: The Arg14337His variant in TTN has not been previously reported in individuals w ith cardiomyopathy, but has been identified in 5/8286 European American chromoso mes by the NHLBI Exome Sequencing Project (db SNP rs191539637). Computational prediction tools and conservation analysis sugge st that this variant may impact the protein, though this information is not pred ictive enough to determine pathogenicity. In summary, the clinical significance of the Arg14337His variant is uncertain.

Biesecker Lab/Clinical Genomics Section, National Institutes of Health
Classification: Likely benign. Last evaluated: 2013-06-24. Review status: criteria provided, single submitter. Criteria: Ng et al. (Circ Cardiovasc Genet. 2013). Collection method: research. Allele origin: unknown. Observed: 2 variant alleles. Study: ClinSeq.
Comment: The study set was not selected for affection status in relation to any cancer. Pathogenicity categories were based on literature curation. See Pubmed ID:23861362 for details.

Medical sequencing

PreventionGenetics, part of Exact Sciences
Classification: Likely benign for TTN-related condition. Last evaluated: 2022-07-05. Review status: no assertion criteria provided. Collection method: clinical testing. Allele origin: germline. Not counted in ClinVar's aggregate classification.
Comment: This variant is classified as likely benign based on ACMG/AMP sequence variant interpretation guidelines (Richards et al. 2015 PMID: 25741868, with internal and published modifications).

Clinical Genetics DNA and cytogenetics Diagnostics Lab, Erasmus MC, Erasmus Medical Center
Classification: Likely benign. Review status: no assertion criteria provided. Collection method: clinical testing. Allele origin: germline. Affected: yes. Study: VKGL Data-share Consensus. Not counted in ClinVar's aggregate classification.

Clinical Genetics, Academic Medical Center
Classification: Likely benign. Review status: no assertion criteria provided. Collection method: clinical testing. Allele origin: germline. Affected: yes. Study: VKGL Data-share Consensus. Not counted in ClinVar's aggregate classification.

Genome Diagnostics Laboratory, University Medical Center Utrecht
Classification: Likely benign. Review status: no assertion criteria provided. Collection method: clinical testing. Allele origin: germline. Affected: yes. Study: VKGL Data-share Consensus. Not counted in ClinVar's aggregate classification.

Joint Genome Diagnostic Labs from Nijmegen and Maastricht, Radboudumc and MUMC+
Classification: Likely benign. Review status: no assertion criteria provided. Collection method: clinical testing. Allele origin: germline. Affected: yes. Study: VKGL Data-share Consensus. Not counted in ClinVar's aggregate classification.

Literature cited by the submitters: PubMed 41214182 (cited by Women's Health and Genetics/Laboratory Corporation of America, LabCorp); PubMed 39692270 (cited by Women's Health and Genetics/Laboratory Corporation of America, LabCorp); PubMed 37091313 (cited by Practice for Gait Abnormalities, David Pomarino, Competency Network Toe Walking C/o Practice Pomarino).